The following is an entry in ClinVar:

NM_000091.5(COL4A3):c.2126G>A (p.Gly709Glu)

Genes: COL4A3 (collagen type IV alpha 3 chain; plus strand), MFF-DT (MFF divergent transcript; minus strand). Cytogenetic location: 2q36.3.
Variant type: single nucleotide variant.
Coding change: c.2126G>A on transcript NM_000091.5 (MANE Select); coding-DNA position 2126, G replaced by A.
Protein change: p.Gly709Glu; replaces glycine 709 with glutamic acid.
Molecular consequence: missense variant.
Genome position (GRCh38, 1-based): chr2:227,279,793, G>A. VCF-style: chr2-227279793-G-A. GRCh37 (hg19) VCF-style: chr2-228144509-G-A.
Other names: short protein forms G709E.
Identifiers: ClinVar variation 447168 (VCV000447168.6), dbSNP rs1553759430, ClinGen allele CA350847422.
Genomic context (GRCh38, chr2:227,279,793, plus strand): 5'-TGCTCAGAATATTTCAATAAGACTAATCCTACAACAATGTTTATTGTTTTTTCTCTGTAG[G>A]AGACCAAGGTTTTCCAGGTACAAAAGGATCACTGGGTTGTCCTGGAAAAATGGGAGAGCC-3'
Protein context (NP_000082.2, residues 699-719): IGFPGPPGPK[Gly709Glu]DQGFPGTKGS

ClinVar aggregate classification (germline): Conflicting classifications of pathogenicity. Review status: criteria provided, conflicting classifications (1 of 4 stars). 4 submissions from 4 submitters: Pathogenic (2); Likely pathogenic (1); Uncertain significance (1). Last evaluated 2024-04-08.

Conditions:
Alport syndrome 3b, autosomal recessive. Identifiers: MedGen C5882699, MONDO:0957811, OMIM 620536.
Hematuria, benign familial, 2 (BFH2). Identifiers: MedGen C5830421, MONDO:0958186, OMIM 620320.
Autosomal dominant Alport syndrome (ATS3A). Also called: Alport syndrome dominant type; Renal failure and sensorineural hearing loss; ALPORT SYNDROME 3A, AUTOSOMAL DOMINANT. Identifiers: Orphanet 63, Orphanet 88918, MedGen C5882663, MONDO:0007086, OMIM 104200.

Submissions (4):

Fulgent Genetics
Classification: Pathogenic for Autosomal dominant Alport syndrome; Hematuria, benign familial, 2; Alport syndrome 3b, autosomal recessive. Last evaluated: 2024-04-08. Review status: criteria provided, single submitter. Criteria: ACMG Guidelines, 2015. Collection method: clinical testing. Allele origin: germline.

Molecular Biology Laboratory, Fundació Puigvert
Classification: Likely pathogenic for Autosomal dominant Alport syndrome. Last evaluated: 2020-02-01. Review status: criteria provided, single submitter. Criteria: ACMG Guidelines, 2015. Collection method: research. Allele origin: maternal. Affected: yes. Study: KidneyPanel_2020.

Athena Diagnostics
Classification: Pathogenic. Last evaluated: 2017-06-01. Review status: criteria provided, single submitter. Criteria: Athena Diagnostics Criteria. Collection method: clinical testing. Allele origin: germline.

Juno Genomics, Hangzhou Juno Genomics, Inc
Classification: Uncertain significance for Autosomal dominant Alport syndrome; Alport syndrome 3b, autosomal recessive; Hematuria, benign familial, 2. Review status: criteria provided, single submitter. Criteria: ACMG Guidelines, 2015. Collection method: clinical testing. Allele origin: germline.
Comment: Absent from controls (or at extremely low frequency if recessive) in Genome Aggregation Database.;Multiple lines of computational evidence support a deleterious effect on the gene or gene product.

Literature cited by the submitters: PubMed 33532864 (cited by Molecular Biology Laboratory, Fundació Puigvert).